The following is an entry in ClinVar:

ClinVar aggregate classification (germline): Pathogenic. Review status: criteria provided, multiple submitters, no conflicts (2 of 4 stars). 3 submissions from 3 submitters: Pathogenic (3). Last evaluated 2025-05-20.

Conditions:
Hereditary cancer-predisposing syndrome. Also called: Hereditary neoplastic syndrome; Tumor predisposition; Neoplastic Syndromes, Hereditary; Hereditary Cancer Syndrome. Identifiers: Orphanet 140162, MedGen C0027672, MeSH D009386, MONDO:0015356.
Endometrial carcinoma. Also called: Endometrial carcinoma, somatic. Identifiers: MedGen C0476089, MONDO:0002447, OMIM 608089, HP:0012114.

gnomAD v4.1: 1 of 1,612,324 alleles (0.000062%); highest among the groups gnomAD compares: Non-Finnish European, 0.000085%; no homozygotes.

Submissions (3):

Ambry Genetics
Classification: Pathogenic for Hereditary cancer-predisposing syndrome. Last evaluated: 2025-05-20. Review status: criteria provided, single submitter. Criteria: Ambry Variant Classification Scheme 2023. Collection method: clinical testing. Allele origin: germline.
Comment: The p.W1047* pathogenic mutation (also known as c.3140G>A), located in coding exon 4 of the MSH6 gene, results from a G to A substitution at nucleotide position 3140. This changes the amino acid from a tryptophan to a stop codon within coding exon 4. This alteration is expected to result in loss of function by premature protein truncation or nonsense-mediated mRNA decay. As such, this alteration is interpreted as a disease-causing mutation.

Baylor Genetics
Classification: Pathogenic for Endometrial carcinoma. Last evaluated: 2022-03-08. Review status: criteria provided, single submitter. Criteria: ACMG Guidelines, 2015. Collection method: clinical testing. Allele origin: unknown.

GeneDx
Classification: Pathogenic. Last evaluated: 2017-02-14. Review status: criteria provided, single submitter. Criteria: GeneDx Variant Classification (06012015). Collection method: clinical testing. Allele origin: germline. Affected: yes.
Comment: This variant is denoted MSH6 c.3140G>A at the cDNA level and p.Trp1047Ter (W1047X) at the protein level. The substitution creates a nonsense variant, which changes a Tryptophan to a premature stop codon (TGG>TAG), and is predicted to cause loss of normal protein function through either protein truncation or nonsense-mediated mRNA decay. This variant has been reported in at least one individual with early onset colorectal cancer (Chubb 2015) and is considered pathogenic.

Literature cited by the submitters: PubMed 25559809 (cited by Ambry Genetics).

NM_000179.3(MSH6):c.3140G>A (p.Trp1047Ter)

Gene: MSH6 (mutS homolog 6; plus strand). Cytogenetic location: 2p16.3.
Variant type: single nucleotide variant.
Coding change: c.3140G>A on transcript NM_000179.3 (MANE Select); coding-DNA position 3140, G replaced by A.
Protein change: p.Trp1047Ter; replaces tryptophan 1047 with a stop codon.
Molecular consequence: nonsense.
Genome position (GRCh38, 1-based): chr2:47,801,123, G>A. VCF-style: chr2-47801123-G-A. GRCh37 (hg19) VCF-style: chr2-48028262-G-A.
Other names: c.2750G>A, p.Trp917Ter (NM_001281492.2); c.2234G>A, p.Trp745Ter (NM_001281493.2, NM_001281494.2); short protein forms W1047*, W745*, W917*.
Identifiers: ClinVar variation 420123 (VCV000420123.8), dbSNP rs1064794302, ClinGen allele CA16617692.